The following is an entry in ClinVar:

ClinVar aggregate classification (germline): Uncertain significance (1 of 4 stars; one submission).

Submission:

Labcorp Genetics (formerly Invitae), Labcorp
Classification: Uncertain significance. Last evaluated: 2025-04-03. Review status: criteria provided, single submitter. Criteria: Invitae Variant Classification Sherloc (09022015). Collection method: clinical testing. Allele origin: germline.
Comment: This sequence change replaces arginine, which is basic and polar, with glutamine, which is neutral and polar, at codon 367 of the GATA3 protein (p.Arg367Gln). This variant is not present in population databases (gnomAD no frequency). This variant has not been reported in the literature in individuals affected with GATA3-related conditions. Invitae Evidence Modeling of protein sequence and biophysical properties (such as structural, functional, and spatial information, amino acid conservation, physicochemical variation, residue mobility, and thermodynamic stability) indicates that this missense variant is expected to disrupt GATA3 protein function with a positive predictive value of 80%. In summary, the available evidence is currently insufficient to determine the role of this variant in disease. Therefore, it has been classified as a Variant of Uncertain Significance.

NM_001002295.2(GATA3):c.1100G>A (p.Arg367Gln)

Gene: GATA3 (GATA binding protein 3; plus strand). Cytogenetic location: 10p14.
Variant type: single nucleotide variant.
Coding change: c.1100G>A on transcript NM_001002295.2 (MANE Select); coding-DNA position 1100, G replaced by A.
Protein change: p.Arg367Gln; replaces arginine 367 with glutamine.
Molecular consequence: missense variant. On other transcripts: synonymous variant (5), 3 prime UTR variant (1).
Genome position (GRCh38, 1-based): chr10:8,073,788, G>A. VCF-style: chr10-8073788-G-A. GRCh37 (hg19) VCF-style: chr10-8115751-G-A.
Other names: c.1100G>A, p.Arg367Gln (NM_001441115.1, NM_001441116.1, NM_001441117.1 and 6 more transcripts); c.1097G>A, p.Arg366Gln (NM_001441124.1, NM_001441125.1, NM_001441126.1 and 3 more transcripts); c.1092G>A, p.Pro364= (NM_001441129.1, NM_001441130.1, NM_001441131.1); c.1089G>A, p.Pro363= (NM_001441132.1, NM_001441133.1); c.*45G>A (NM_001441134.1); c.221G>A, p.Arg74Gln (NM_001441135.1); short protein forms R74Q, R366Q, R367Q.
Identifiers: ClinVar variation 4702005 (VCV004702005.1).